The following is an entry in ClinVar:

NM_206933.4(USH2A):c.1450del (p.Gln484fs)

Gene: USH2A (usherin; minus strand). Cytogenetic location: 1q41.
Variant type: Deletion.
Coding change: c.1450del on transcript NM_206933.4 (MANE Select); coding-DNA position 1450, one base deleted (C; older notation c.1450delC).
Protein change: p.Gln484fs; shifts the reading frame from glutamine 484.
Molecular consequence: frameshift variant.
Genome position (GRCh38, 1-based): chr1:216,323,574, G deleted on the plus strand (C on the coding strand, the reverse complement: USH2A is on the minus strand). VCF-style (leftmost placement, unchanged base first): chr1-216323573-TG-T. GRCh37 (hg19) VCF-style: chr1-216496915-TG-T.
Other names: c.1450del, p.Gln484fs (NM_007123.6); short protein forms Q484fs.
Identifiers: ClinVar variation 3700222 (VCV003700222.2).

ClinVar aggregate classification (germline): Pathogenic (1 of 4 stars; one submission).

Submission:

Labcorp Genetics (formerly Invitae), Labcorp
Classification: Pathogenic. Last evaluated: 2024-10-08. Review status: criteria provided, single submitter. Criteria: Invitae Variant Classification Sherloc (09022015). Collection method: clinical testing. Allele origin: germline.
Comment: This sequence change creates a premature translational stop signal (p.Gln484Lysfs*2) in the USH2A gene. It is expected to result in an absent or disrupted protein product. Loss-of-function variants in USH2A are known to be pathogenic (PMID: 10729113, 10909849, 20507924, 25649381). This variant is not present in population databases (gnomAD no frequency). This variant has not been reported in the literature in individuals affected with USH2A-related conditions. For these reasons, this variant has been classified as Pathogenic.

Literature cited by the submitters: PubMed 10729113; PubMed 10909849; PubMed 20507924; PubMed 25649381.